The following is an entry in ClinVar:

NM_005035.4(POLRMT):c.965A>T (p.Gln322Leu)

Gene: POLRMT (RNA polymerase mitochondrial; minus strand). Cytogenetic location: 19p13.3.
Variant type: single nucleotide variant.
Coding change: c.965A>T on transcript NM_005035.4 (MANE Select); coding-DNA position 965, A replaced by T.
Protein change: p.Gln322Leu; replaces glutamine 322 with leucine.
Molecular consequence: missense variant. On other transcripts: non-coding transcript variant (1).
Genome position (GRCh38, 1-based): chr19:624,894, T>A on the plus strand (A>T on the coding strand, the complement: POLRMT is on the minus strand). VCF-style: chr19-624894-T-A. GRCh37 (hg19) VCF-style: chr19-624894-T-A.
Other names: c.923A>T, p.Gln308Leu (NM_001407813.1, NM_001407811.1); c.965A>T, p.Gln322Leu (NM_001407814.1, NM_001407815.1, NM_001407816.1 and 10 more transcripts); c.641A>T, p.Gln214Leu (NM_001407831.1, NM_001407833.1, NM_001407834.1 and 2 more transcripts); short protein forms Q214L, Q308L, Q322L.
Identifiers: ClinVar variation 4083562 (VCV004083562.8).

ClinVar aggregate classification (germline): Benign (1 of 4 stars; one submission).

gnomAD v4.1: 19,421 of 1,610,086 alleles (1.2%); highest among the groups gnomAD compares: Non-Finnish European, 1.4%; 136 homozygotes.

Submission:

CeGaT Center for Human Genetics Tuebingen
Classification: Benign. Last evaluated: 2026-09-01. Review status: criteria provided, single submitter. Criteria: CeGaT Center For Human Genetics Tuebingen Variant Classification Criteria Version 2. Collection method: clinical testing. Allele origin: germline. Affected: yes. Observed: 12 variant alleles.
Comment: POLRMT: BP4, BS1, BS2